The following is an entry in ClinVar:

NM_003384.3(VRK1):c.-48G>C

Genes: VRK1 (VRK serine/threonine kinase 1; plus strand), LOC130056407 (ATAC-STARR-seq lymphoblastoid silent region 6058; plus strand). Cytogenetic location: 14q32.2.
Variant type: single nucleotide variant.
Coding change: c.-48G>C on transcript NM_003384.3 (MANE Select); 48 bases upstream of the start codon, G replaced by C.
Molecular consequence: 5 prime UTR variant.
Genome position (GRCh38, 1-based): chr14:96,797,405, G>C. VCF-style: chr14-96797405-G-C. GRCh37 (hg19) VCF-style: chr14-97263742-G-C.
Identifiers: ClinVar variation 515189 (VCV000515189.1), dbSNP rs571705126, ClinGen allele CA266064894.

ClinVar aggregate classification (germline): Likely benign (1 of 4 stars; one submission).

Allele frequency attached by ClinVar (database versions not stated): 1000 Genomes Project 0.00040; 1000 Genomes Project 30x 0.00078; gnomAD 0.00082 and 0.00090; TOPMed 0.00082.

Submission:

GeneDx
Classification: Likely benign. Last evaluated: 2018-02-05. Review status: criteria provided, single submitter. Criteria: GeneDx Variant Classification (06012015). Collection method: clinical testing. Allele origin: germline. Affected: yes.
Comment: This variant is considered likely benign or benign based on one or more of the following criteria: it is a conservative change, it occurs at a poorly conserved position in the protein, it is predicted to be benign by multiple in silico algorithms, and/or has population frequency not consistent with disease.